The following is an entry in ClinVar:

NM_000094.4(COL7A1):c.1790C>T (p.Thr597Ile)

Gene: COL7A1 (collagen type VII alpha 1 chain; minus strand). Cytogenetic location: 3p21.31.
Variant type: single nucleotide variant.
Coding change: c.1790C>T on transcript NM_000094.4 (MANE Select); coding-DNA position 1790, C replaced by T.
Protein change: p.Thr597Ile; replaces threonine 597 with isoleucine.
Molecular consequence: missense variant.
Genome position (GRCh38, 1-based): chr3:48,590,575, G>A on the plus strand (C>T on the coding strand, the complement: COL7A1 is on the minus strand). VCF-style: chr3-48590575-G-A. GRCh37 (hg19) VCF-style: chr3-48628008-G-A.
Other names: short protein forms T597I.
Identifiers: ClinVar variation 1716338 (VCV001716338.5), dbSNP rs2045622621, ClinGen allele CA352728861.
Genomic context (GRCh38, chr3:48,590,575, plus strand): 5'-GCCACCCTCACTCGCGTTGCATCTGACACCACAACCCGCAGCCCTGGAACAGCAAGTGGA[G>A]TTTCCGGCTCTAGGAGTTACAGACAGAAGTCAGAAGTCAGAACCAGGACCAGAGTGAGGC-3'
Protein context (NP_000085.1, residues 587-607): SVLTVRREPE[Thr597Ile]PLAVPGLRVV

ClinVar aggregate classification (germline): Uncertain significance (1 of 4 stars; one submission).

Submission:

Labcorp Genetics (formerly Invitae), Labcorp
Classification: Uncertain significance. Last evaluated: 2022-08-13. Review status: criteria provided, single submitter. Criteria: Invitae Variant Classification Sherloc (09022015). Collection method: clinical testing. Allele origin: germline.
Comment: Advanced modeling of protein sequence and biophysical properties (such as structural, functional, and spatial information, amino acid conservation, physicochemical variation, residue mobility, and thermodynamic stability) performed at Invitae indicates that this missense variant is not expected to disrupt COL7A1 protein function. In summary, the available evidence is currently insufficient to determine the role of this variant in disease. Therefore, it has been classified as a Variant of Uncertain Significance. This variant has not been reported in the literature in individuals affected with COL7A1-related conditions. This variant is not present in population databases (gnomAD no frequency). This sequence change replaces threonine, which is neutral and polar, with isoleucine, which is neutral and non-polar, at codon 597 of the COL7A1 protein (p.Thr597Ile).